The following is an entry in ClinVar:

NM_002497.4(NEK2):c.153G>A (p.Met51Ile)

Gene: NEK2 (NIMA related kinase 2; minus strand). Cytogenetic location: 1q32.3.
Variant type: single nucleotide variant.
Coding change: c.153G>A on transcript NM_002497.4 (MANE Select); coding-DNA position 153, G replaced by A.
Protein change: p.Met51Ile; replaces methionine 51 with isoleucine.
Molecular consequence: missense variant.
Genome position (GRCh38, 1-based): chr1:211,674,457, C>T on the plus strand (G>A on the coding strand, the complement: NEK2 is on the minus strand). VCF-style: chr1-211674457-C-T. GRCh37 (hg19) VCF-style: chr1-211847799-C-T.
Other names: c.153G>A, p.Met51Ile (NM_001204182.2, NM_001204183.2); short protein forms M51I.
Identifiers: ClinVar variation 2163149 (VCV002163149.4), dbSNP rs774941061, ClinGen allele CA1381747.
Genomic context (GRCh38, chr1:211,674,457, plus strand): 5'-ATAGTAACGAACGATGTTTGGATGTTTCAGTTCACGAAGCAAATTCACTTCAGAAACAAG[C>T]ATCTGTTTCTCAGCTTCTGTCATGGAGCCATAGTCAAGTTCTTTCCAAACTAATATCTGA-3'
Protein context (NP_002488.1, residues 41-61): YGSMTEAEKQ[Met51Ile]LVSEVNLLRE

ClinVar aggregate classification (germline): Uncertain significance (1 of 4 stars; one submission).

Allele frequency attached by ClinVar (database versions not stated): TOPMed below 0.00001; ExAC 0.00001; gnomAD 0.00001.
gnomAD v4.1: 11 of 1,613,924 alleles (0.00068%); highest among the groups gnomAD compares: Admixed American, 0.0017%; no homozygotes.

Submission:

Labcorp Genetics (formerly Invitae), Labcorp
Classification: Uncertain significance. Last evaluated: 2023-01-06. Review status: criteria provided, single submitter. Criteria: Invitae Variant Classification Sherloc (09022015). Collection method: clinical testing. Allele origin: germline.
Comment: Algorithms developed to predict the effect of missense changes on protein structure and function are either unavailable or do not agree on the potential impact of this missense change (SIFT: "Deleterious"; PolyPhen-2: "Possibly Damaging"; Align-GVGD: "Class C0"). In summary, the available evidence is currently insufficient to determine the role of this variant in disease. Therefore, it has been classified as a Variant of Uncertain Significance. This variant has not been reported in the literature in individuals affected with NEK2-related conditions. This variant is present in population databases (rs774941061, gnomAD 0.003%). This sequence change replaces methionine, which is neutral and non-polar, with isoleucine, which is neutral and non-polar, at codon 51 of the NEK2 protein (p.Met51Ile).